The following is an entry in ClinVar:

ClinVar aggregate classification (germline): Conflicting classifications of pathogenicity. Review status: criteria provided, conflicting classifications (1 of 4 stars). 3 submissions from 2 submitters: Uncertain significance (2); Benign (1). Last evaluated 2018-01-13.

Conditions:
Familial hyperinsulinism. Also called: Congenital hyperinsulinism. Identifiers: Orphanet 276525, MedGen C3888018, MONDO:0017182. Disease mechanism: loss of function.
Maturity-onset diabetes of the young type 1. Also called: MILD JUVENILE DIABETES MELLITUS; MODY, type I; MODY type 1; Diabetes mellitus MODY type 1; MODY HNF4A related; HNF4A-Related Maturity-Onset Diabetes of the Young Type 1. Identifiers: Orphanet 552, MedGen C1852093, MONDO:0007452, OMIM 125850. Disease mechanism: loss of function.
Maturity-onset diabetes of the young (MODY). Also called: Maturity onset diabetes mellitus in young. Identifiers: Orphanet 552, MedGen C0342276, MONDO:0018911, HP:0004904.

Submissions (3):

Illumina Laboratory Services, Illumina
Classification: Uncertain significance for Familial hyperinsulinism. Last evaluated: 2018-01-13. Review status: criteria provided, single submitter. Criteria: ICSL Variant Classification Criteria 13 December 2019. Collection method: clinical testing. Allele origin: germline.

Illumina Laboratory Services, Illumina
Classification: Uncertain significance for Maturity-onset diabetes of the young type 1. Last evaluated: 2018-01-13. Review status: criteria provided, single submitter. Criteria: ICSL Variant Classification Criteria 13 December 2019. Collection method: clinical testing. Allele origin: germline.

Clinical Genomics, Uppaluri K&H Personalized Medicine Clinic
Classification: Benign for Maturity-onset diabetes of the young. Review status: criteria provided, single submitter. Criteria: K & H Uppaluri Personalized Medicine Clinic Variant Classification & Assertion Criteria_Updated V.1. Collection method: research. Allele origin: unknown. Inheritance: Autosomal dominant inheritance.
Comment: Potent mutations in HNF4A are associated with poor insulin secretion in response to hyperglycemia. Associated with MODY1. Patients initially respond well to sulfonylureas but eventually become insulin dependent. However, more evidence is required to ascertain the role of this particular variant rs886056683 in MODY, yet.

Literature cited by the submitters: DOI 10.1159/000334532 (cited by Clinical Genomics, Uppaluri K&H Personalized Medicine Clinic); PubMed 18268044 (cited by Clinical Genomics, Uppaluri K&H Personalized Medicine Clinic); PubMed 17563455 (cited by Clinical Genomics, Uppaluri K&H Personalized Medicine Clinic); PubMed 32583173 (cited by Clinical Genomics, Uppaluri K&H Personalized Medicine Clinic); PubMed 35052457 (cited by Clinical Genomics, Uppaluri K&H Personalized Medicine Clinic); PubMed 35118593 (cited by Clinical Genomics, Uppaluri K&H Personalized Medicine Clinic).

NM_175914.5(HNF4A):c.*965G>T

Gene: HNF4A (hepatocyte nuclear factor 4 alpha; plus strand). Cytogenetic location: 20q13.12.
Variant type: single nucleotide variant.
Coding change: c.*965G>T on transcript NM_175914.5 (MANE Select); 965 bases downstream of the stop codon, G replaced by T.
Molecular consequence: 3 prime UTR variant.
Genome position (GRCh38, 1-based): chr20:44,430,630, G>T. VCF-style: chr20-44430630-G-T. GRCh37 (hg19) VCF-style: chr20-43059270-G-T.
Other names: c.*965G>T (NM_000457.6, NM_001030003.3, NM_001258355.2 and 3 more transcripts).
Identifiers: ClinVar variation 338450 (VCV000338450.6), dbSNP rs886056683, ClinGen allele CA10652534.